The following is an entry in ClinVar:

NM_004004.6(GJB2):c.253T>C (p.Ser85Pro)

Gene: GJB2 (gap junction protein beta 2; minus strand). Cytogenetic location: 13q12.11.
Variant type: single nucleotide variant.
Coding change: c.253T>C on transcript NM_004004.6 (MANE Select); coding-DNA position 253, T replaced by C.
Protein change: p.Ser85Pro; replaces serine 85 with proline.
Molecular consequence: missense variant.
Genome position (GRCh38, 1-based): chr13:20,189,329, A>G on the plus strand (T>C on the coding strand, the complement: GJB2 is on the minus strand). VCF-style: chr13-20189329-A-G. GRCh37 (hg19) VCF-style: chr13-20763468-A-G.
Other names: short protein forms S85P.
Identifiers: ClinVar variation 3575780 (VCV003575780.3).

ClinVar aggregate classification (germline): Conflicting classifications of pathogenicity. Review status: criteria provided, conflicting classifications (1 of 4 stars). 3 submissions from 3 submitters: Likely pathogenic (1); Uncertain significance (2). Last evaluated 2026-04-06.

Conditions:
Nonsyndromic genetic hearing loss. Also called: Nonsyndromic hearing loss and deafness; Non-syndromic genetic deafness; Nonsyndromic genetic deafness. Identifiers: Orphanet 87884, MedGen C5680182, MONDO:0019497.
Autosomal dominant keratitis-ichthyosis-hearing loss syndrome. Also called: Senter syndrome; KID SYNDROME, AUTOSOMAL DOMINANT; HID SYNDROME. Identifiers: Orphanet 477, MedGen C0265336, MONDO:0007850, OMIM 148210.
Autosomal recessive nonsyndromic hearing loss 1A (DFNB1A). Also called: GJB6-Related DFNB 1 Nonsyndromic Hearing Loss and Deafness; Deafness, autosomal recessive 1A; Connexin 26 deafness; Deafness nonsyndromic, Connexin 26 linked; Nonsyndromic Hearing Loss and Deafness, DFNB1; GJB2-Related Autosomal Recessive Nonsyndromic Hearing Loss. Identifiers: Orphanet 90636, MedGen C2673759, MONDO:0009076, OMIM 220290.
Knuckle pads, deafness AND leukonychia syndrome. Also called: Bart-Pumphrey syndrome. Identifiers: Orphanet 2698, MedGen C0266004, MONDO:0007866, OMIM 149200.
Autosomal dominant nonsyndromic hearing loss 3A. Identifiers: Orphanet 90635, MedGen C2675750, MONDO:0011103, OMIM 601544.
Mutilating keratoderma (VOWNKL). Also called: Keratoderma hereditarium mutilans. Identifiers: Orphanet 494, MedGen C0265964, MONDO:0007422, OMIM 124500.
Ichthyosis, hystrix-like, with hearing loss. Also called: Hystrix-like ichthyosis with deafness. Identifiers: Orphanet 477, MedGen C1865234, MONDO:0011245.
Palmoplantar keratoderma-deafness syndrome. Also called: Keratoderma palmoplantar, with deafness; Palmoplantar keratoderma and sensorineural deafness; Hereditary palmoplantar keratoderma with deafness (subtype); Focal palmoplantar keratoderma with sensorineural deafness (subtype); Diffuse palmoplantar keratoderma with deafness (subtype). Identifiers: Orphanet 2202, MedGen C1835672, MONDO:0007852, OMIM 148350.

Submissions (3):

Myriad Genetics, Inc.
Classification: Uncertain significance for Nonsyndromic genetic hearing loss. Last evaluated: 2026-04-06. Review status: criteria provided, single submitter. Criteria: Myriad Autosomal Dominant, Autosomal Recessive and X-Linked Classification Criteria (2023). Collection method: clinical testing. Allele origin: unknown.
Comment: NM_004004.5(GJB2):c.253T>C(S85P) is a missense variant classified as a variant of uncertain significance in the context of nonsyndromic hearing loss, GJB2-related. S85P has been observed in cases with relevant disease (PMID: 10983956, 31992338, Li_2014_(Article)). Relevant functional assessments of this variant are not available in the literature. S85P has not been observed in referenced population frequency databases. In summary, there is insufficient evidence to classify NM_004004.5(GJB2):c.253T>C(S85P) as pathogenic or benign. Please note: this variant was assessed in the context of healthy population screening.

Fulgent Genetics
Classification: Likely pathogenic for Mutilating keratoderma; Autosomal dominant keratitis-ichthyosis-hearing loss syndrome; Palmoplantar keratoderma-deafness syndrome; Knuckle pads, deafness AND leukonychia syndrome; Autosomal recessive nonsyndromic hearing loss 1A; Autosomal dominant nonsyndromic hearing loss 3A. Last evaluated: 2024-04-03. Review status: criteria provided, single submitter. Criteria: ACMG Guidelines, 2015. Collection method: clinical testing. Allele origin: germline.

Juno Genomics, Hangzhou Juno Genomics, Inc
Classification: Uncertain significance for Knuckle pads, deafness AND leukonychia syndrome; Autosomal dominant nonsyndromic hearing loss 3A; Autosomal recessive nonsyndromic hearing loss 1A; Autosomal dominant keratitis-ichthyosis-hearing loss syndrome; Palmoplantar keratoderma-deafness syndrome; Mutilating keratoderma. Review status: criteria provided, single submitter. Criteria: ACMG Guidelines, 2015. Collection method: clinical testing. Allele origin: germline.
Comment: Absent from controls (or at extremely low frequency if recessive) in Genome Aggregation Database.;Multiple lines of computational evidence support a deleterious effect on the gene or gene product.;For recessive disorders, detected in trans with a pathogenic variant.